The following is an entry in ClinVar:

NM_024642.5(GALNT12):c.706G>C (p.Gly236Arg)

Gene: GALNT12 (polypeptide N-acetylgalactosaminyltransferase 12; plus strand). Cytogenetic location: 9q22.33.
Variant type: single nucleotide variant.
Coding change: c.706G>C on transcript NM_024642.5 (MANE Select); coding-DNA position 706, G replaced by C.
Protein change: p.Gly236Arg; replaces glycine 236 with arginine.
Molecular consequence: missense variant.
Genome position (GRCh38, 1-based): chr9:98,826,916, G>C. VCF-style: chr9-98826916-G-C. GRCh37 (hg19) VCF-style: chr9-101589198-G-C.
Other names: c.706G>C (NM_024642.4); short protein forms G236R.
Identifiers: ClinVar variation 1471697 (VCV001471697.9), dbSNP rs2118378502, ClinGen allele CA374217816.

ClinVar aggregate classification (germline): Uncertain significance. Review status: criteria provided, multiple submitters, no conflicts (2 of 4 stars). 2 submissions from 2 submitters: Uncertain significance (2). Last evaluated 2026-04-16.

Submissions (2):

Ambry Genetics
Classification: Uncertain significance. Last evaluated: 2026-04-16. Review status: criteria provided, single submitter. Criteria: Ambry Variant Classification Scheme 2023. Collection method: clinical testing. Allele origin: germline.
Comment: The p.G236R variant (also known as c.706G>C), located in coding exon 3 of the GALNT12 gene, results from a G to C substitution at nucleotide position 706. The glycine at codon 236 is replaced by arginine, an amino acid with dissimilar properties. This amino acid position is conserved. In addition, the in silico prediction for this alteration is inconclusive. Based on the available evidence, the clinical significance of this variant remains unclear.

Labcorp Genetics (formerly Invitae), Labcorp
Classification: Uncertain significance. Last evaluated: 2022-07-19. Review status: criteria provided, single submitter. Criteria: Invitae Variant Classification Sherloc (09022015). Collection method: clinical testing. Allele origin: germline.
Comment: Algorithms developed to predict the effect of sequence changes on RNA splicing suggest that this variant may disrupt the consensus splice site. In summary, the available evidence is currently insufficient to determine the role of this variant in disease. Therefore, it has been classified as a Variant of Uncertain Significance. Algorithms developed to predict the effect of missense changes on protein structure and function are either unavailable or do not agree on the potential impact of this missense change (SIFT: "Deleterious"; PolyPhen-2: "Probably Damaging"; Align-GVGD: "Class C15"). ClinVar contains an entry for this variant (Variation ID: 1471697). This variant has not been reported in the literature in individuals affected with GALNT12-related conditions. This variant is not present in population databases (gnomAD no frequency). This sequence change replaces glycine, which is neutral and non-polar, with arginine, which is basic and polar, at codon 236 of the GALNT12 protein (p.Gly236Arg).